The following is an entry in ClinVar:

ClinVar aggregate classification (germline): Uncertain significance. Review status: criteria provided, multiple submitters, no conflicts (2 of 4 stars). 2 submissions from 2 submitters: Uncertain significance (2). Last evaluated 2025-08-01.

Conditions:
Inborn genetic diseases. Identifiers: MedGen C0950123, MeSH D030342.

gnomAD v4.1: 2 of 1,613,666 alleles (0.00012%); no homozygotes.

Submissions (2):

Ambry Genetics
Classification: Uncertain significance for Inborn genetic diseases. Last evaluated: 2025-08-01. Review status: criteria provided, single submitter. Criteria: Ambry Variant Classification Scheme 2023. Collection method: clinical testing. Allele origin: germline.

Labcorp Genetics (formerly Invitae), Labcorp
Classification: Uncertain significance. Last evaluated: 2025-01-06. Review status: criteria provided, single submitter. Criteria: Invitae Variant Classification Sherloc (09022015). Collection method: clinical testing. Allele origin: germline.
Comment: This sequence change replaces glycine, which is neutral and non-polar, with aspartic acid, which is acidic and polar, at codon 393 of the EIF2AK3 protein (p.Gly393Asp). This variant is not present in population databases (gnomAD no frequency). This variant has not been reported in the literature in individuals affected with EIF2AK3-related conditions. ClinVar contains an entry for this variant (Variation ID: 1040210). An algorithm developed to predict the effect of missense changes on protein structure and function (PolyPhen-2) suggests that this variant is likely to be tolerated. In summary, the available evidence is currently insufficient to determine the role of this variant in disease. Therefore, it has been classified as a Variant of Uncertain Significance.

NM_004836.7(EIF2AK3):c.1178G>A (p.Gly393Asp)

Gene: EIF2AK3 (eukaryotic translation initiation factor 2 alpha kinase 3; minus strand). Cytogenetic location: 2p11.2.
Variant type: single nucleotide variant.
Coding change: c.1178G>A on transcript NM_004836.7 (MANE Select); coding-DNA position 1178, G replaced by A.
Protein change: p.Gly393Asp; replaces glycine 393 with aspartic acid.
Molecular consequence: missense variant.
Genome position (GRCh38, 1-based): chr2:88,588,889, C>T on the plus strand (G>A on the coding strand, the complement: EIF2AK3 is on the minus strand). VCF-style: chr2-88588889-C-T. GRCh37 (hg19) VCF-style: chr2-88888407-C-T.
Other names: c.725G>A, p.Gly242Asp (NM_001313915.2); c.1178G>A (NM_004836.5); short protein forms G242D, G393D.
Identifiers: ClinVar variation 1040210 (VCV001040210.9), dbSNP rs1674809495, ClinGen allele CA347595301.
Genomic context (GRCh38, chr2:88,588,889, plus strand): 5'-GCCTTGGGACTTGAAGGAAACTTTTCTGAAATTCTGACTGATGACTGCAGATACAGCTGG[C>T]CTCTATACATTCCTGAATCAACCAGAACATTGTCAATTATGCATTGATTTTTTTAAAAAG-3'
Protein context (NP_004827.4, residues 383-403): ENSVYLGMYR[Gly393Asp]QLYLQSSVRI